The following is an entry in ClinVar:

ClinVar aggregate classification (germline): Uncertain significance (1 of 4 stars; one submission).

Conditions:
KBG syndrome (KBGS). Also called: ANKRD11-Related KBG Syndrome. Identifiers: Orphanet 2332, MedGen C0220687, MONDO:0007846, OMIM 148050.

gnomAD v4.1: 1 of 1,614,062 alleles (0.000062%); highest among the groups gnomAD compares: Middle Eastern, 0.016%; no homozygotes.

Submission:

Labcorp Genetics (formerly Invitae), Labcorp
Classification: Uncertain significance for KBG syndrome. Last evaluated: 2025-06-08. Review status: criteria provided, single submitter. Criteria: Invitae Variant Classification Sherloc (09022015). Collection method: clinical testing. Allele origin: germline.
Comment: This sequence change replaces aspartic acid, which is acidic and polar, with glutamic acid, which is acidic and polar, at codon 911 of the ANKRD11 protein (p.Asp911Glu). This variant is present in population databases (no rsID available, gnomAD 0.0009%). This variant has not been reported in the literature in individuals affected with ANKRD11-related conditions. Invitae Evidence Modeling of protein sequence and biophysical properties (such as structural, functional, and spatial information, amino acid conservation, physicochemical variation, residue mobility, and thermodynamic stability) indicates that this missense variant is not expected to disrupt ANKRD11 protein function with a negative predictive value of 95%. In summary, the available evidence is currently insufficient to determine the role of this variant in disease. Therefore, it has been classified as a Variant of Uncertain Significance.

NM_013275.6(ANKRD11):c.2733C>G (p.Asp911Glu)

Gene: ANKRD11 (ankyrin repeat domain 11; minus strand). Cytogenetic location: 16q24.3.
Variant type: single nucleotide variant.
Coding change: c.2733C>G on transcript NM_013275.6 (MANE Select); coding-DNA position 2733, C replaced by G.
Protein change: p.Asp911Glu; replaces aspartic acid 911 with glutamic acid.
Molecular consequence: missense variant.
Genome position (GRCh38, 1-based): chr16:89,283,809, G>C on the plus strand (C>G on the coding strand, the complement: ANKRD11 is on the minus strand). VCF-style: chr16-89283809-G-C. GRCh37 (hg19) VCF-style: chr16-89350217-G-C.
Other names: c.2733C>G, p.Asp911Glu (NM_001256182.2, NM_001256183.2); short protein forms D911E.
Identifiers: ClinVar variation 4778979 (VCV004778979.1).